The following is an entry in ClinVar:

NM_007194.4(CHEK2):c.997T>C (p.Leu333=)

Gene: CHEK2 (checkpoint kinase 2; minus strand). Cytogenetic location: 22q12.1.
Variant type: single nucleotide variant.
Coding change: c.997T>C on transcript NM_007194.4 (MANE Select); coding-DNA position 997, T replaced by C.
Protein change: p.Leu333=; no amino-acid change (leucine 333 retained).
Molecular consequence: synonymous variant.
Genome position (GRCh38, 1-based): chr22:28,699,849, A>G on the plus strand (T>C on the coding strand, the complement: CHEK2 is on the minus strand). VCF-style: chr22-28699849-A-G. GRCh37 (hg19) VCF-style: chr22-29095837-A-G.
Other names: c.1126T>C, p.Leu376= (NM_001005735.3); c.334T>C, p.Leu112= (NM_001257387.3); c.796T>C, p.Leu266= (NM_001349956.3); c.997T>C, p.Leu333= (NM_145862.3).
Identifiers: ClinVar variation 460868 (VCV000460868.22), dbSNP rs1352758126, ClinGen allele CA513945016.

ClinVar aggregate classification (germline): Benign/Likely benign. Review status: criteria provided, multiple submitters, no conflicts (2 of 4 stars). 5 submissions from 5 submitters: Benign (1); Likely benign (3). 1 of the submissions does not count toward it. Last evaluated 2024-10-04.

Conditions:
CHEK2-related disorder.
Familial cancer of breast. Also called: BREAST CANCER, FAMILIAL; Hereditary breast cancer; hereditary breast carcinoma. Identifiers: Orphanet 227535, MedGen C0346153, MONDO:0016419, OMIM 114480. Disease mechanism: loss of function.
Hereditary cancer-predisposing syndrome. Also called: Neoplastic Syndromes, Hereditary; Hereditary Cancer Syndrome; Hereditary neoplastic syndrome; Tumor predisposition. Identifiers: Orphanet 140162, MedGen C0027672, MeSH D009386, MONDO:0015356.

Allele frequency attached by ClinVar (database versions not stated): gnomAD exomes below 0.00001; TOPMed below 0.00001; gnomAD 0.00001.
gnomAD v4.1: 6 of 1,613,090 alleles (0.00037%); highest among the groups gnomAD compares: African/African-American, 0.0013%; no homozygotes.

Submissions (5):

Myriad Genetics, Inc.
Classification: Benign for Familial cancer of breast. Last evaluated: 2024-10-04. Review status: criteria provided, single submitter. Criteria: Myriad Autosomal Dominant, Autosomal Recessive and X-Linked Classification Criteria (2023). Collection method: clinical testing. Allele origin: unknown.
Comment: This variant is considered benign. This variant is a silent/synonymous amino acid change and it is not expected to impact splicing.

Labcorp Genetics (formerly Invitae), Labcorp
Classification: Likely benign for Familial cancer of breast. Last evaluated: 2024-04-10. Review status: criteria provided, single submitter. Criteria: Invitae Variant Classification Sherloc (09022015). Collection method: clinical testing. Allele origin: germline.

Color Diagnostics, LLC DBA Color Health
Classification: Likely benign for Hereditary cancer-predisposing syndrome. Last evaluated: 2018-06-12. Review status: criteria provided, single submitter. Criteria: ACMG Guidelines, 2015. Collection method: clinical testing. Allele origin: germline.

Ambry Genetics
Classification: Likely benign for Hereditary cancer-predisposing syndrome. Last evaluated: 2016-12-20. Review status: criteria provided, single submitter. Criteria: Ambry Variant Classification Scheme 2023. Collection method: clinical testing. Allele origin: germline.

PreventionGenetics, part of Exact Sciences
Classification: Likely benign for CHEK2-related condition. Last evaluated: 2019-09-04. Review status: no assertion criteria provided. Collection method: clinical testing. Allele origin: germline. Not counted in ClinVar's aggregate classification.
Comment: This variant is classified as likely benign based on ACMG/AMP sequence variant interpretation guidelines (Richards et al. 2015 PMID: 25741868, with internal and published modifications).